The following is an entry in ClinVar:

ClinVar aggregate classification (germline): Uncertain significance (1 of 4 stars; one submission).

Conditions:
Hereditary cancer-predisposing syndrome. Also called: Hereditary Cancer Syndrome; Neoplastic Syndromes, Hereditary; Tumor predisposition; Hereditary neoplastic syndrome. Identifiers: Orphanet 140162, MedGen C0027672, MeSH D009386, MONDO:0015356.

Submission:

Labcorp Genetics (formerly Invitae), Labcorp
Classification: Uncertain significance for Hereditary cancer-predisposing syndrome. Last evaluated: 2020-04-29. Review status: criteria provided, single submitter. Criteria: Invitae Variant Classification Sherloc (09022015). Collection method: clinical testing. Allele origin: germline.
Comment: This sequence change replaces leucine with serine at codon 464 of the RAD50 protein (p.Leu464Ser). The leucine residue is highly conserved and there is a large physicochemical difference between leucine and serine. This variant is not present in population databases (ExAC no frequency). This variant has not been reported in the literature in individuals with RAD50-related conditions. Algorithms developed to predict the effect of missense changes on protein structure and function (SIFT, PolyPhen-2, Align-GVGD) all suggest that this variant is likely to be disruptive, but these predictions have not been confirmed by published functional studies and their clinical significance is uncertain. In summary, the available evidence is currently insufficient to determine the role of this variant in disease. Therefore, it has been classified as a Variant of Uncertain Significance.

NM_005732.4(RAD50):c.1391T>C (p.Leu464Ser)

Gene: RAD50 (RAD50 double strand break repair protein; plus strand). Cytogenetic location: 5q31.1.
Variant type: single nucleotide variant.
Coding change: c.1391T>C on transcript NM_005732.4 (MANE Select); coding-DNA position 1391, T replaced by C.
Protein change: p.Leu464Ser; replaces leucine 464 with serine.
Molecular consequence: missense variant.
Genome position (GRCh38, 1-based): chr5:132,589,776, T>C. VCF-style: chr5-132589776-T-C. GRCh37 (hg19) VCF-style: chr5-131925468-T-C.
Other names: short protein forms L464S.
Identifiers: ClinVar variation 1021796 (VCV001021796.9), dbSNP rs1750665445, ClinGen allele CA360944571.